The following is an entry in ClinVar:

NM_001365951.3(KIF1B):c.*2321A>G

Gene: KIF1B (kinesin family member 1B; plus strand). Cytogenetic location: 1p36.22.
Variant type: single nucleotide variant.
Coding change: c.*2321A>G on transcript NM_001365951.3 (MANE Select); 2321 bases downstream of the stop codon, A replaced by G.
Molecular consequence: 3 prime UTR variant.
Genome position (GRCh38, 1-based): chr1:10,378,908, A>G. VCF-style: chr1-10378908-A-G. GRCh37 (hg19) VCF-style: chr1-10438966-A-G.
Other names: c.*2321A>G (NM_001365952.1, NM_015074.3).
Identifiers: ClinVar variation 291621 (VCV000291621.5), dbSNP rs567547345, ClinGen allele CA10607300.
Genomic context (GRCh38, chr1:10,378,908, plus strand): 5'-AGTGACCCGCGGAAACTCTATGGCGGATTTTTTTTTTAACTTTCTTCTTCCTGTTAAAAC[A>G]TAGGTCACTAACTGTGATGTTATTTGTTTTCTAAGTGGTATGTGAGATTTTCTAATGTAG-3'

ClinVar aggregate classification (germline): Benign (1 of 4 stars; one submission).

Conditions:
Neuroblastoma (NB). Identifiers: Orphanet 635, MedGen C0027819, MeSH D009447, MONDO:0005072, HP:0003006.

Allele frequency attached by ClinVar (database versions not stated): gnomAD 0.00003 and 0.00056; TOPMed 0.00015; gnomAD exomes 0.00030; 1000 Genomes Project 30x 0.00390; 1000 Genomes Project 0.00439.
gnomAD v4.1: 108 of 236,964 alleles (0.046%); highest among the groups gnomAD compares: South Asian, 1.6%; 2 homozygotes.

Submission:

Illumina Laboratory Services, Illumina
Classification: Benign for Neuroblastoma. Last evaluated: 2018-01-12. Review status: criteria provided, single submitter. Criteria: ICSL Variant Classification Criteria 13 December 2019. Collection method: clinical testing. Allele origin: germline.
Comment: This variant was observed in the ICSL laboratory as part of a predisposition screen in an ostensibly healthy population. It had not been previously curated by ICSL or reported in the Human Gene Mutation Database (HGMD: prior to June 1st, 2018), and was therefore a candidate for classification through an automated scoring system. Utilizing variant allele frequency, disease prevalence and penetrance estimates, and inheritance mode, an automated score was calculated to assess if this variant is too frequent to cause the disease. Based on the score and internal cut-off values, a variant classified as benign is not then subjected to further curation. The score for this variant resulted in a classification of benign for this disease.